The following is an entry in ClinVar:

ClinVar aggregate classification (germline): Uncertain significance (1 of 4 stars; one submission).

Allele frequency attached by ClinVar (database versions not stated): gnomAD exomes below 0.00001 and 0.00001; TOPMed below 0.00001; ExAC 0.00001.
gnomAD v4.1: 3 of 1,614,122 alleles (0.00019%); highest among the groups gnomAD compares: Admixed American, 0.0033%; no homozygotes.

Submission:

Labcorp Genetics (formerly Invitae), Labcorp
Classification: Uncertain significance. Last evaluated: 2024-04-25. Review status: criteria provided, single submitter. Criteria: Invitae Variant Classification Sherloc (09022015). Collection method: clinical testing. Allele origin: germline.
Comment: This sequence change replaces glutamic acid, which is acidic and polar, with glutamine, which is neutral and polar, at codon 665 of the COL9A2 protein (p.Glu665Gln). This variant is present in population databases (rs775572033, gnomAD 0.009%). This variant has not been reported in the literature in individuals affected with COL9A2-related conditions. ClinVar contains an entry for this variant (Variation ID: 1430716). Advanced modeling of protein sequence and biophysical properties (such as structural, functional, and spatial information, amino acid conservation, physicochemical variation, residue mobility, and thermodynamic stability) performed at Invitae indicates that this missense variant is not expected to disrupt COL9A2 protein function with a negative predictive value of 95%. In summary, the available evidence is currently insufficient to determine the role of this variant in disease. Therefore, it has been classified as a Variant of Uncertain Significance.

NM_001852.4(COL9A2):c.1993G>C (p.Glu665Gln)

Gene: COL9A2 (collagen type IX alpha 2 chain; minus strand). Cytogenetic location: 1p34.2.
Variant type: single nucleotide variant.
Coding change: c.1993G>C on transcript NM_001852.4 (MANE Select); coding-DNA position 1993, G replaced by C.
Protein change: p.Glu665Gln; replaces glutamic acid 665 with glutamine.
Molecular consequence: missense variant.
Genome position (GRCh38, 1-based): chr1:40,301,259, C>G on the plus strand (G>C on the coding strand, the complement: COL9A2 is on the minus strand). VCF-style: chr1-40301259-C-G. GRCh37 (hg19) VCF-style: chr1-40766931-C-G.
Other names: short protein forms E665Q.
Identifiers: ClinVar variation 1430716 (VCV001430716.8), dbSNP rs775572033, ClinGen allele CA791260.